The following is an entry in ClinVar:

ClinVar aggregate classification (germline): Likely pathogenic. Review status: criteria provided, multiple submitters, no conflicts (2 of 4 stars). 2 submissions from 2 submitters: Likely pathogenic (2). Last evaluated 2023-06-27.

Conditions:
Dehydrated hereditary stomatocytosis with or without pseudohyperkalemia and/or perinatal edema (DHS1). Also called: Dehydrated hereditary stomatocytosis 1 with or without pseudohyperkalemia and/or perinatal edema; PSEUDOHYPERKALEMIA EDINBURGH; DEHYDRATED HEREDITARY STOMATOCYTOSIS AND PSEUDOHYPERKALEMIA; DEHYDRATED HEREDITARY STOMATOCYTOSIS WITH PSEUDOHYPERKALEMIA AND PERINATAL EDEMA; Pseudohyperkalemia, familial, 1, due to red cell leak. Identifiers: Orphanet 3202, MedGen C4551512, MONDO:0008689, OMIM 194380.
PIEZO1-related disorder. Also called: PIEZO1-Related Disorders; PIEZO1-related condition.

Submissions (2):

PreventionGenetics, part of Exact Sciences
Classification: Likely pathogenic for PIEZO1-related condition. Last evaluated: 2023-06-27. Review status: criteria provided, single submitter. Criteria: ACMG Guidelines, 2015. Collection method: clinical testing. Allele origin: germline.
Comment: The PIEZO1 c.6008C>A variant is predicted to result in the amino acid substitution p.Ala2003Asp. This variant has been reported in multiple individuals with dehydrated hereditary stomatocytosis (Andolfo et al. 2013. PubMed ID: 23479567; Imashuku et al. 2023. PubMed ID: 36898020) and in one individual it was observed to have arisen de novo (Imashuku et al. 2023. PubMed ID: 36898020). It has also been reported in the compound heterozygous state in a case of fetal ascites and segregated with phenotypes overlapping dehydrated hereditary stomatocytosis in the family (Stolyar et al. 2021. PubMed ID: 33837027). This variant has not been reported in a large population database, indicating this variant is rare. This variant is interpreted as likely pathogenic.

Institute of Human Genetics, University Hospital of Duesseldorf
Classification: Likely pathogenic for Dehydrated hereditary stomatocytosis with or without pseudohyperkalemia and/or perinatal edema. Review status: criteria provided, single submitter. Criteria: ACMG Guidelines, 2015. Collection method: not provided. Allele origin: germline. Inheritance: Autosomal dominant inheritance. Affected: yes.

NM_001142864.4(PIEZO1):c.6008C>A (p.Ala2003Asp)

Gene: PIEZO1 (piezo type mechanosensitive ion channel component 1 (Er blood group); minus strand). Cytogenetic location: 16q24.3.
Variant type: single nucleotide variant.
Coding change: c.6008C>A on transcript NM_001142864.4 (MANE Select); coding-DNA position 6008, C replaced by A.
Protein change: p.Ala2003Asp; replaces alanine 2003 with aspartic acid.
Molecular consequence: missense variant.
Genome position (GRCh38, 1-based): chr16:88,720,225, G>T on the plus strand (C>A on the coding strand, the complement: PIEZO1 is on the minus strand). VCF-style: chr16-88720225-G-T. GRCh37 (hg19) VCF-style: chr16-88786633-G-T.
Other names: c.4550C>A, p.Ala1517Asp (NM_014745.1); short protein forms A1517D, A2003D.
Identifiers: ClinVar variation 2632265 (VCV002632265.1), dbSNP rs1430652756, ClinGen allele CA397086179.